The following is an entry in ClinVar:

NM_152703.5(SAMD9L):c.1835T>C (p.Leu612Ser)

Gene: SAMD9L (sterile alpha motif domain containing 9 like; minus strand). Cytogenetic location: 7q21.2.
Variant type: single nucleotide variant.
Coding change: c.1835T>C on transcript NM_152703.5 (MANE Select); coding-DNA position 1835, T replaced by C.
Protein change: p.Leu612Ser; replaces leucine 612 with serine.
Molecular consequence: missense variant.
Genome position (GRCh38, 1-based): chr7:93,134,137, A>G on the plus strand (T>C on the coding strand, the complement: SAMD9L is on the minus strand). VCF-style: chr7-93134137-A-G. GRCh37 (hg19) VCF-style: chr7-92763450-A-G.
Other names: c.1835T>C, p.Leu612Ser (NM_001303496.3, NM_001303497.3, NM_001303498.3 and 5 more transcripts); short protein forms L612S.
Identifiers: ClinVar variation 4159465 (VCV004159465.1).

ClinVar aggregate classification (germline): Uncertain significance (1 of 4 stars; one submission).

Conditions:
Inborn genetic diseases. Identifiers: MedGen C0950123, MeSH D030342.

gnomAD v4.1: 2 of 1,613,974 alleles (0.00012%); highest among the groups gnomAD compares: Non-Finnish European, 0.00017%; no homozygotes.

Submission:

Ambry Genetics
Classification: Uncertain significance for Inborn genetic diseases. Last evaluated: 2025-09-10. Review status: criteria provided, single submitter. Criteria: Ambry Variant Classification Scheme 2023. Collection method: clinical testing. Allele origin: germline.
Comment: The p.L612S variant (also known as c.1835T>C), located in coding exon 1 of the SAMD9L gene, results from a T to C substitution at nucleotide position 1835. The leucine at codon 612 is replaced by serine, an amino acid with dissimilar properties. This amino acid position is conserved. In addition, the in silico prediction for this alteration is inconclusive. Based on the available evidence, the clinical significance of this variant remains unclear.